The following is an entry in ClinVar:

ClinVar aggregate classification (germline): Benign/Likely benign. Review status: criteria provided, multiple submitters, no conflicts (2 of 4 stars). 2 submissions from 2 submitters: Benign (1); Likely benign (1). Last evaluated 2023-11-17.

Allele frequency attached by ClinVar (database versions not stated): 1000 Genomes Project 0.00339; 1000 Genomes Project 30x 0.00390; ExAC 0.00565; gnomAD 0.00723; ESP Exome Variant Server 0.00777; TOPMed 0.00801; gnomAD exomes 0.00882.
gnomAD v4.1: 14,045 of 1,614,002 alleles (0.87%); highest among the groups gnomAD compares: Non-Finnish European, 0.99%; 91 homozygotes.

Submissions (2):

Mayo Clinic Laboratories, Mayo Clinic
Classification: Benign. Last evaluated: 2023-11-17. Review status: criteria provided, single submitter. Criteria: ACMG Guidelines, 2015. Collection method: clinical testing. Allele origin: germline. Observed: 7 variant alleles.
Comment: BS1, BS2, BP4, BP7

CeGaT Center for Human Genetics Tuebingen
Classification: Likely benign. Last evaluated: 2023-01-01. Review status: criteria provided, single submitter. Criteria: CeGaT Center For Human Genetics Tuebingen Variant Classification Criteria Version 2. Collection method: clinical testing. Allele origin: germline. Affected: yes. Observed: 1 variant allele.
Comment: CD48: BP4, BP7, BS2

NM_001778.4(CD48):c.699G>A (p.Thr233=)

Gene: CD48 (CD48 molecule; minus strand). Cytogenetic location: 1q23.3.
Variant type: single nucleotide variant.
Coding change: c.699G>A on transcript NM_001778.4 (MANE Select); coding-DNA position 699, G replaced by A.
Protein change: p.Thr233=; no amino-acid change (threonine 233 retained).
Molecular consequence: synonymous variant.
Genome position (GRCh38, 1-based): chr1:160,679,085, C>T on the plus strand (G>A on the coding strand, the complement: CD48 is on the minus strand). VCF-style: chr1-160679085-C-T. GRCh37 (hg19) VCF-style: chr1-160648875-C-T.
Other names: p.Thr233=.
Identifiers: ClinVar variation 2639504 (VCV002639504.25), dbSNP rs150535390, ClinGen allele CA1200808.
Genomic context (GRCh38, chr1:160,679,085, plus strand): 5'-GTTTCGCTTGAGTTAAAAGAGCTCATCTCAGGTAAGTAACAGGCCAAGAATGGTGGGCAC[C>T]GTGACCACTAGCCAACTTGCAATCCATTCTACTCCAAAGGACCGGGCTGAAAGAGCAAGA-3'
Protein context (NP_001769.2, residues 223-243): VEWIASWLVV[Thr233=]VPTILGLLLT